The following is an entry in ClinVar:

NM_138694.4(PKHD1):c.11249C>A (p.Ser3750Ter)

Gene: PKHD1 (PKHD1 ciliary IPT domain containing fibrocystin/polyductin; minus strand). Cytogenetic location: 6p12.3.
Variant type: single nucleotide variant.
Coding change: c.11249C>A on transcript NM_138694.4 (MANE Select); coding-DNA position 11249, C replaced by A.
Protein change: p.Ser3750Ter; replaces serine 3750 with a stop codon.
Molecular consequence: nonsense.
Genome position (GRCh38, 1-based): chr6:51,649,146, G>T on the plus strand (C>A on the coding strand, the complement: PKHD1 is on the minus strand). VCF-style: chr6-51649146-G-T. GRCh37 (hg19) VCF-style: chr6-51513944-G-T.
Other names: short protein forms S3750*.
Identifiers: ClinVar variation 4816547 (VCV004816547.2).
Genomic context (GRCh38, chr6:51,649,146, plus strand): 5'-TGCTCATCCAAAAATACCAATTGTGGCTGCACTGGAAGCTCATTTCCCACTTCTCCATCT[G>T]AAGGCTGGACTAGGATGGAAAGTGCATAGGGCCGAATATATATCAAGTTCCCAGTTTTAA-3'

ClinVar aggregate classification (germline): Pathogenic/Likely pathogenic. Review status: criteria provided, multiple submitters, no conflicts (2 of 4 stars). 2 submissions from 2 submitters: Pathogenic (1); Likely pathogenic (1). Last evaluated 2024-11-27.

Conditions:
Autosomal recessive polycystic kidney disease (ARPKD). Also called: AR polycystic kidney disease. Identifiers: Orphanet 731, Orphanet 8378, MedGen C0085548, MeSH D017044, MONDO:0009889.
Polycystic kidney disease 4 (PKD4). Also called: Autosomal Recessive Polycystic Kidney Disease – PKHD1; POLYCYSTIC KIDNEY AND HEPATIC DISEASE 1; POLYCYSTIC KIDNEY DISEASE, INFANTILE, TYPE I; POLYCYSTIC KIDNEY DISEASE 4 WITH OR WITHOUT POLYCYSTIC LIVER DISEASE; PKD3. Identifiers: MedGen C4540575, MONDO:0033004, OMIM 263200.

Submissions (2):

Natera, Inc.
Classification: Likely pathogenic for Autosomal recessive polycystic kidney disease. Last evaluated: 2024-11-27. Review status: criteria provided, single submitter. Criteria: Natera Variant Classification Schema (03/2026). Collection method: clinical testing. Allele origin: germline.
Comment: The c.11249C>A variant in PKHD1 is a nonsense variant predicted to introduce a stop codon at amino acid 3750. This variant is expected to result in nonsense mediated decay, truncation, or a dysfunctional protein product. This variant is rare in the general population with a frequency below the threshold expected for the associated phenotype(s). Given the available evidence, this variant is classified as Likely Pathogenic.

Myriad Genetics, Inc.
Classification: Pathogenic for Polycystic kidney disease 4. Last evaluated: 2023-09-03. Review status: criteria provided, single submitter. Criteria: Myriad Autosomal Dominant, Autosomal Recessive and X-Linked Classification Criteria (2023). Collection method: clinical testing. Allele origin: unknown.
Comment: NM_138694.3(PKHD1):c.11249C>A(S3750*) is expected to be pathogenic in the context of autosomal recessive polycystic kidney disease, PKHD1-related. This variant is predicted to lead to an abnormal or absent protein product due to the creation of a premature termination codon in PKHD1, a gene where loss-of-function variants are known to be pathogenic. Please note: this variant was assessed in the context of healthy population screening.